The following is an entry in ClinVar:

ClinVar aggregate classification (germline): Benign. Review status: criteria provided, multiple submitters, no conflicts (2 of 4 stars). 3 submissions from 3 submitters: Benign (3). Last evaluated 2018-06-14.

Allele frequency attached by ClinVar (database versions not stated): ESP Exome Variant Server 0.09016; gnomAD 0.10729 and 0.10788; ExAC 0.10872; TOPMed 0.11401; 1000 Genomes Project 0.15296; 1000 Genomes Project 30x 0.15022.
gnomAD v4.1: 99,837 of 1,526,022 alleles (6.5%); highest among the groups gnomAD compares: African/African-American, 22%; 5,030 homozygotes.

Submissions (3):

GeneDx
Classification: Benign. Last evaluated: 2018-06-14. Review status: criteria provided, single submitter. Criteria: GeneDx Variant Classification (06012015). Collection method: clinical testing. Allele origin: germline. Affected: yes.
Comment: This variant is considered likely benign or benign based on one or more of the following criteria: it is a conservative change, it occurs at a poorly conserved position in the protein, it is predicted to be benign by multiple in silico algorithms, and/or has population frequency not consistent with disease.

Breakthrough Genomics
Classification: Benign. Review status: criteria provided, single submitter. Criteria: ACMG Guidelines, 2015. Collection method: not provided. Allele origin: germline. Inheritance: Autosomal recessive inheritance. Affected: yes.

PreventionGenetics, part of Exact Sciences
Classification: Benign. Review status: criteria provided, single submitter. Criteria: ACMG Guidelines, 2015. Collection method: clinical testing. Allele origin: germline.

NM_001852.4(COL9A2):c.1161+41C>T

Gene: COL9A2 (collagen type IX alpha 2 chain; minus strand). Cytogenetic location: 1p34.2.
Variant type: single nucleotide variant.
Coding change: c.1161+41C>T on transcript NM_001852.4 (MANE Select); 41 bases into the intron after coding-DNA position 1161, C replaced by T.
Molecular consequence: intron variant.
Genome position (GRCh38, 1-based): chr1:40,304,753, G>A on the plus strand (C>T on the coding strand, the complement: COL9A2 is on the minus strand). VCF-style: chr1-40304753-G-A. GRCh37 (hg19) VCF-style: chr1-40770425-G-A.
Identifiers: ClinVar variation 258368 (VCV000258368.3), dbSNP rs72944910, ClinGen allele CA791564.